The following is an entry in ClinVar:

NM_030777.4(SLC2A10):c.1292C>T (p.Thr431Ile)

Gene: SLC2A10 (solute carrier family 2 member 10; plus strand). Cytogenetic location: 20q13.12.
Variant type: single nucleotide variant.
Coding change: c.1292C>T on transcript NM_030777.4 (MANE Select); coding-DNA position 1292, C replaced by T.
Protein change: p.Thr431Ile; replaces threonine 431 with isoleucine.
Molecular consequence: missense variant.
Genome position (GRCh38, 1-based): chr20:46,726,867, C>T. VCF-style: chr20-46726867-C-T. GRCh37 (hg19) VCF-style: chr20-45355506-C-T.
Other names: short protein forms T431I.
Identifiers: ClinVar variation 1974954 (VCV001974954.5), dbSNP rs772160405, ClinGen allele CA315757091.

ClinVar aggregate classification (germline): Uncertain significance (1 of 4 stars; one submission).

Conditions:
Arterial tortuosity syndrome (ATORS). Identifiers: Orphanet 3342, MedGen C1859726, MONDO:0008818, OMIM 208050.

gnomAD v4.1: 1 of 1,597,272 alleles (0.000063%); no homozygotes.

Submission:

Labcorp Genetics (formerly Invitae), Labcorp
Classification: Uncertain significance for Arterial tortuosity syndrome. Last evaluated: 2022-01-11. Review status: criteria provided, single submitter. Criteria: Invitae Variant Classification Sherloc (09022015). Collection method: clinical testing. Allele origin: germline.
Comment: In summary, the available evidence is currently insufficient to determine the role of this variant in disease. Therefore, it has been classified as a Variant of Uncertain Significance. Advanced modeling of protein sequence and biophysical properties (such as structural, functional, and spatial information, amino acid conservation, physicochemical variation, residue mobility, and thermodynamic stability) performed at Invitae indicates that this missense variant is expected to disrupt SLC2A10 protein function. This variant has not been reported in the literature in individuals affected with SLC2A10-related conditions. This variant is present in population databases (rs772160405, gnomAD 0.003%). This sequence change replaces threonine, which is neutral and polar, with isoleucine, which is neutral and non-polar, at codon 431 of the SLC2A10 protein (p.Thr431Ile).